The following is an entry in ClinVar:

ClinVar aggregate classification (germline): Uncertain significance (1 of 4 stars; one submission).

Conditions:
Mucopolysaccharidosis, MPS-III-A (MPS3A). Also called: HEPARAN SULFATE SULFATASE DEFICIENCY; SANFILIPPO SYNDROME A; SULFAMIDASE DEFICIENCY; MPS III A; MUCOPOLYSACCHARIDOSIS, TYPE IIIA, ATTENUATED; Mucopolysaccharidosis type IIIA (Sanfilippo A). Identifiers: Orphanet 581, Orphanet 79269, MedGen C0086647, MONDO:0009655, OMIM 252900.

Allele frequency attached by ClinVar (database versions not stated): ExAC 0.00002; gnomAD 0.00001; TOPMed 0.00002.
gnomAD v4.1: 44 of 1,613,268 alleles (0.0027%); highest among the groups gnomAD compares: African/African-American, 0.008%; no homozygotes.

Submission:

Labcorp Genetics (formerly Invitae), Labcorp
Classification: Uncertain significance for Mucopolysaccharidosis, MPS-III-A. Last evaluated: 2024-12-16. Review status: criteria provided, single submitter. Criteria: Invitae Variant Classification Sherloc (09022015). Collection method: clinical testing. Allele origin: germline.
Comment: This sequence change replaces arginine, which is basic and polar, with glutamine, which is neutral and polar, at codon 160 of the SGSH protein (p.Arg160Gln). This variant is present in population databases (rs767224326, gnomAD 0.007%). This variant has not been reported in the literature in individuals affected with SGSH-related conditions. ClinVar contains an entry for this variant (Variation ID: 2194724). Invitae Evidence Modeling of protein sequence and biophysical properties (such as structural, functional, and spatial information, amino acid conservation, physicochemical variation, residue mobility, and thermodynamic stability) indicates that this missense variant is not expected to disrupt SGSH protein function with a negative predictive value of 80%. In summary, the available evidence is currently insufficient to determine the role of this variant in disease. Therefore, it has been classified as a Variant of Uncertain Significance.

NM_000199.5(SGSH):c.479G>A (p.Arg160Gln)

Gene: SGSH (N-sulfoglucosamine sulfohydrolase; minus strand). Cytogenetic location: 17q25.3.
Variant type: single nucleotide variant.
Coding change: c.479G>A on transcript NM_000199.5 (MANE Select); coding-DNA position 479, G replaced by A.
Protein change: p.Arg160Gln; replaces arginine 160 with glutamine.
Molecular consequence: missense variant. On other transcripts: non-coding transcript variant (1).
Genome position (GRCh38, 1-based): chr17:80,214,642, C>T on the plus strand (G>A on the coding strand, the complement: SGSH is on the minus strand). VCF-style: chr17-80214642-C-T. GRCh37 (hg19) VCF-style: chr17-78188441-C-T.
Other names: c.479G>A, p.Arg160Gln (NM_001352921.3, NM_001352922.2); short protein forms R160Q.
Identifiers: ClinVar variation 2194724 (VCV002194724.2), dbSNP rs767224326, ClinGen allele CA8818003.